The following is an entry in ClinVar:

ClinVar aggregate classification (germline): Pathogenic (1 of 4 stars; one submission).

Conditions:
Ehlers-Danlos syndrome, type 4 (EDSVASC). Also called: Ehlers-Danlos syndrome vascular type; Ehlers Danlos syndrome, ecchymotic type; Ehlers Danlos syndrome, arterial type; Ehlers Danlos syndrome, Sack-Barabas type; Ehlers-Danlos Syndrome Type IV. Identifiers: Orphanet 286, MedGen C0268338, MONDO:0017314, OMIM 130050.

Submission:

Labcorp Genetics (formerly Invitae), Labcorp
Classification: Pathogenic for Ehlers-Danlos syndrome, type 4. Last evaluated: 2023-09-08. Review status: criteria provided, single submitter. Criteria: Invitae Variant Classification Sherloc (09022015). Collection method: clinical testing. Allele origin: germline.
Comment: This sequence change affects an acceptor splice site in intron 22 of the COL3A1 gene. It is expected to disrupt RNA splicing. Variants that disrupt the donor or acceptor splice site typically lead to a loss of protein function (PMID: 16199547), and loss-of-function variants in COL3A1 are known to be pathogenic (PMID: 24922459). This variant is not present in population databases (gnomAD no frequency). Disruption of this splice site has been observed in individual(s) with clinical features of Ehlers-Danlos syndrome, vascular type (Invitae). In at least one individual the variant was observed to be de novo. ClinVar contains an entry for this variant (Variation ID: 1482294). Algorithms developed to predict the effect of sequence changes on RNA splicing suggest that this variant may disrupt the consensus splice site. For these reasons, this variant has been classified as Pathogenic.

Literature cited by the submitters: PubMed 16199547; PubMed 24922459.

NM_000090.4(COL3A1):c.1609-2A>C

Gene: COL3A1 (collagen type III alpha 1 chain; plus strand). Cytogenetic location: 2q32.2.
Variant type: single nucleotide variant.
Coding change: c.1609-2A>C on transcript NM_000090.4 (MANE Select); the canonical splice acceptor site of the intron before coding-DNA position 1609, A replaced by C.
Molecular consequence: splice acceptor variant.
Genome position (GRCh38, 1-based): chr2:188,996,123, A>C. VCF-style: chr2-188996123-A-C. GRCh37 (hg19) VCF-style: chr2-189860849-A-C.
Identifiers: ClinVar variation 1482294 (VCV001482294.8), dbSNP rs2153502611, ClinGen allele CA349852334.